The following is an entry in ClinVar:

ClinVar aggregate classification (germline): Pathogenic (1 of 4 stars; one submission).

Conditions:
Severe combined immunodeficiency disease. Also called: Severe combined immunodeficiency; Severe Combined Immune Deficiency. Identifiers: Orphanet 183660, MedGen C0085110, MeSH D016511, MONDO:0015974, HP:0004430. Inheritance: X-Linked or Autosomal recessive.

Submission:

Women's Health and Genetics/Laboratory Corporation of America, LabCorp
Classification: Pathogenic for Severe combined immunodeficiency disease. Last evaluated: 2026-02-16. Review status: criteria provided, single submitter. Criteria: LabCorp Variant Classification Summary - May 2015. Collection method: clinical testing. Allele origin: germline.
Comment: Variant summary: PGM3 c.1386delC (p.Leu463X) results in a premature termination codon, predicted to cause a truncation of the encoded protein or absence of the protein due to nonsense mediated decay, which are commonly known mechanisms for disease. The variant was absent in 251312 control chromosomes. To our knowledge, no occurrence of c.1386delC in individuals affected with PGM3-related conditions and no experimental evidence demonstrating its impact on protein function have been reported. No submitters have cited clinical-significance assessments for this variant to ClinVar. Based on the evidence outlined above, the variant was classified as pathogenic.

NM_015599.3(PGM3):c.1302del (p.Gly434_Leu435insTer)

Gene: PGM3 (phosphoglucomutase 3; minus strand). Cytogenetic location: 6q14.1.
Variant type: Deletion.
Coding change: c.1302del on transcript NM_015599.3 (MANE Select); coding-DNA position 1302, one base deleted (C; older notation c.1302delC).
Protein change: p.Gly434_Leu435insTer.
Molecular consequence: frameshift variant. On other transcripts: non-coding transcript variant (1), intron variant (1).
Genome position (GRCh38, 1-based): chr6:83,172,000, G deleted on the plus strand (C on the coding strand, the reverse complement: PGM3 is on the minus strand). VCF-style (leftmost placement, unchanged base first): chr6-83171999-AG-A. GRCh37 (hg19) VCF-style: chr6-83881718-AG-A.
Other names: c.1386del, p.Gly462_Leu463insTer (NM_001199917.2, NM_001367287.1); c.1059del, p.Gly353_Leu354insTer (NM_001199918.2); c.1302del, p.Gly434_Leu435insTer (NM_001199919.2); c.1243-1522del (NM_001367286.1); c.1386delC (NM_001199917.2).
Identifiers: ClinVar variation 4847789 (VCV004847789.1).